The following is an entry in ClinVar:

ClinVar aggregate classification (germline): Likely benign (1 of 4 stars; one submission).

Allele frequency attached by ClinVar (database versions not stated): 1000 Genomes Project 30x 0.00031; 1000 Genomes Project 0.00040; TOPMed 0.00076; ESP Exome Variant Server 0.00077; gnomAD exomes 0.00119; ExAC 0.00160; gnomAD 0.00171.
gnomAD v4.1: 1,980 of 1,614,044 alleles (0.12%); highest among the groups gnomAD compares: Non-Finnish European, 0.1%; 10 homozygotes.

Submission:

GeneDx
Classification: Likely benign. Last evaluated: 2018-12-09. Review status: criteria provided, single submitter. Criteria: GeneDx Variant Classification Process June 2021. Collection method: clinical testing. Allele origin: germline. Affected: yes.
Comment: See Variant Classification Assertion Criteria.

NM_000350.3(ABCA4):c.6386+27G>A

Gene: ABCA4 (ATP binding cassette subfamily A member 4; minus strand). Cytogenetic location: 1p22.1.
Variant type: single nucleotide variant.
Coding change: c.6386+27G>A on transcript NM_000350.3 (MANE Select); 27 bases into the intron after coding-DNA position 6386, G replaced by A.
Molecular consequence: intron variant.
Genome position (GRCh38, 1-based): chr1:94,000,975, C>T on the plus strand (G>A on the coding strand, the complement: ABCA4 is on the minus strand). VCF-style: chr1-94000975-C-T. GRCh37 (hg19) VCF-style: chr1-94466531-C-T.
Identifiers: ClinVar variation 1707370 (VCV001707370.2), dbSNP rs190166145, ClinGen allele CA956889.